The following is an entry in ClinVar:

ClinVar aggregate classification (germline): Pathogenic (1 of 4 stars; one submission).

Conditions:
Ehlers-Danlos syndrome, classic type, 1 (EDSCL1). Also called: EHLERS-DANLOS SYNDROME, GRAVIS TYPE; EHLERS-DANLOS SYNDROME, SEVERE CLASSIC TYPE; Ehlers-Danlos syndrome, type 1; Ehlers-Danlos Syndrome, Classic Type, COL5A1-Related; EDS I. Identifiers: MedGen C0268335, MONDO:0019567, OMIM 130000.

Submission:

Labcorp Genetics (formerly Invitae), Labcorp
Classification: Pathogenic for Ehlers-Danlos syndrome, classic type, 1. Last evaluated: 2023-08-06. Review status: criteria provided, single submitter. Criteria: Invitae Variant Classification Sherloc (09022015). Collection method: clinical testing. Allele origin: unknown.
Comment: This variant has not been reported in the literature in individuals affected with COL5A1-related conditions. This variant is a gross deletion of the genomic region encompassing exon(s) 59-63 of the COL5A1 gene. This variant would be expected to be in-frame, preserving the integrity of the reading frame. This variant disrupts the triple helix domain of COL5A1. Glycine residues within the Gly-Xaa-Yaa repeats of the triple helix domain are required for the structure and stability of fibrillar collagens (PMID: 7695699, 8218237, 19344236), and variants at these glycine residues in COL5A1 are more frequently observed in individuals with disease than in the general population (PMID: 22696272, 23587214). However, the clinical significance of this observation remains uncertain since only a limited number of affected individuals have been described to date. This variant disrupts a region of the COL5A1 protein in which other variant(s) (p.Cys1671Tyr) have been determined to be pathogenic (Invitae). This suggests that this is a clinically significant region of the protein, and that variants that disrupt it are likely to be disease-causing. For these reasons, this variant has been classified as Pathogenic.

Literature cited by the submitters: PubMed 7695699; PubMed 8218237; PubMed 19344236; PubMed 22696272; PubMed 23587214.

NC_000009.11:g.(?_137713923)_(137717770_?)del

Gene: COL5A1 (collagen type V alpha 1 chain; plus strand). Cytogenetic location: 9q34.3.
Variant type: Deletion.
Identifiers: ClinVar variation 3245109 (VCV003245109.1).